The following is an entry in ClinVar:

NM_000748.3(CHRNB2):c.97G>C (p.Val33Leu)

Gene: CHRNB2 (cholinergic receptor nicotinic beta 2 subunit; plus strand). Cytogenetic location: 1q21.3.
Variant type: single nucleotide variant.
Coding change: c.97G>C on transcript NM_000748.3 (MANE Select); coding-DNA position 97, G replaced by C.
Protein change: p.Val33Leu; replaces valine 33 with leucine.
Molecular consequence: missense variant.
Genome position (GRCh38, 1-based): chr1:154,569,494, G>C. VCF-style: chr1-154569494-G-C. GRCh37 (hg19) VCF-style: chr1-154541970-G-C.
Other names: short protein forms V33L.
Identifiers: ClinVar variation 2580071 (VCV002580071.1), dbSNP rs1064795695, ClinGen allele CA342629235.

ClinVar aggregate classification (germline): Uncertain significance (1 of 4 stars; one submission).

gnomAD v4.1: 1 of 1,613,966 alleles (0.000062%); highest among the groups gnomAD compares: African/African-American, 0.0013%; no homozygotes.

Submission:

GeneDx
Classification: Uncertain significance. Last evaluated: 2023-03-16. Review status: criteria provided, single submitter. Criteria: GeneDx Variant Classification Process June 2021. Collection method: clinical testing. Allele origin: germline. Affected: yes.
Comment: Not observed at significant frequency in large population cohorts (gnomAD); In silico analysis supports that this missense variant does not alter protein structure/function; Has not been previously published as pathogenic or benign to our knowledge